The following is an entry in ClinVar:

ClinVar aggregate classification (germline): Pathogenic. Review status: criteria provided, multiple submitters, no conflicts (2 of 4 stars). 6 submissions from 6 submitters: Pathogenic (4). 2 of the submissions do not count toward it. Last evaluated 2024-11-07.

Conditions:
DPM1-related disorders.
DPM1-related disorder. Also called: DPM1-related condition.
Congenital disorder of glycosylation type 1E (CDG1E). Also called: CDG Ie; CONGENITAL DISORDER OF GLYCOSYLATION, TYPE Ie. Identifiers: Orphanet 79322, MedGen C1837396, MONDO:0012123, OMIM 608799.

Allele frequency attached by ClinVar (database versions not stated): TOPMed 0.00004.
gnomAD v4.1: 76 of 1,613,660 alleles (0.0047%); highest among the groups gnomAD compares: Non-Finnish European, 0.0058%; no homozygotes.

Submissions (6):

Rady Children's Institute for Genomic Medicine, Rady Children's Hospital San Diego
Classification: Pathogenic for Congenital disorder of glycosylation, type Ie. Last evaluated: 2024-11-07. Review status: criteria provided, single submitter. Criteria: ACMG Guidelines, 2015. Collection method: clinical testing. Allele origin: germline. Affected: yes.
Comment: The c.274C>G (p.Arg92Gly) variant affects a highly conserved amino acid and is predicted by multiple in silico tools to have a deleterious effect on protein function. This variant has been previously reported as a compound heterozygous and homozygous change in individuals with congenital disorder of glycosylation type 1e (PMID: 27481510, 10642602, 10642597). Functional studies indicate this variant may lead to reduced dolichol phosphate mannose (Dol-P-Man) synthase activity (PMID: 10642597, 10642602). The c.274C>G (p.Arg92Gly) variant is present in the latest version of the gnomAD population database at an allele frequency of 0.005% (76/1613660), and is absent in the homozygous state, thus is presumed to be rare. Based on the available evidence, c.274C>G (p.Arg92Gly) is classified as Pathogenic.

Labcorp Genetics (formerly Invitae), Labcorp
Classification: Pathogenic for Congenital disorder of glycosylation type 1E. Last evaluated: 2024-10-28. Review status: criteria provided, single submitter. Criteria: Invitae Variant Classification Sherloc (09022015). Collection method: clinical testing. Allele origin: germline.
Comment: This sequence change replaces arginine, which is basic and polar, with glycine, which is neutral and non-polar, at codon 92 of the DPM1 protein (p.Arg92Gly). This variant is present in population databases (rs121908583, gnomAD 0.006%). This missense change has been observed in individual(s) with congenital disorder of glycosylation (PMID: 10642597, 10642602, 27481510). In at least one individual the data is consistent with being in trans (on the opposite chromosome) from a pathogenic variant. It has also been observed to segregate with disease in related individuals. ClinVar contains an entry for this variant (Variation ID: 6296). An algorithm developed to predict the effect of missense changes on protein structure and function (PolyPhen-2) suggests that this variant is likely to be disruptive. Experimental studies have shown that this missense change affects DPM1 function (PMID: 10642602). For these reasons, this variant has been classified as Pathogenic.

GeneDx
Classification: Pathogenic. Last evaluated: 2023-10-17. Review status: criteria provided, single submitter. Criteria: GeneDx Variant Classification Process June 2021. Collection method: clinical testing. Allele origin: germline. Affected: yes.
Comment: Not observed at significant frequency in large population cohorts (gnomAD); In silico analysis supports that this missense variant has a deleterious effect on protein structure/function; This variant is associated with the following publications: (PMID: 25525159, 31003021, 21029365, 23856421, 21315133, 10642597, 27481510, 35279850, 15669674, 10642602)

Blueprint Genetics
Classification: Pathogenic for DPM1-related disorders. Last evaluated: 2022-07-27. Review status: criteria provided, single submitter. Criteria: ACMG Guidelines, 2015. Collection method: clinical testing. Allele origin: germline. Affected: yes. Observed: 5 variant alleles.

PreventionGenetics, part of Exact Sciences
Classification: Pathogenic for DPM1-related condition. Last evaluated: 2024-09-28. Review status: no assertion criteria provided. Collection method: clinical testing. Allele origin: germline. Not counted in ClinVar's aggregate classification.
Comment: The DPM1 c.274C>G variant is predicted to result in the amino acid substitution p.Arg92Gly. This variant has been reported in the compound heterozygous and homozygous states in individuals with congenital disorder of glycosylation 1e, and both functional studies and segregation data support its pathogenicity (Kim et al. 2000. PubMed ID: 10642597; Bursle et al. 2016. PubMed ID: 27481510; Imbach et al. 2000. PubMed ID: 10642602). This variant is reported in 0.0046% of alleles in individuals of European (Non-Finnish) descent in gnomAD. This variant is interpreted as pathogenic.

OMIM
Classification: Pathogenic for CONGENITAL DISORDER OF GLYCOSYLATION, TYPE Ie. Last evaluated: 2000-01-01. Review status: no assertion criteria provided. Collection method: literature only. Allele origin: germline. Not counted in ClinVar's aggregate classification.

Literature cited by the submitters: PubMed 27481510 (cited by Rady Children's Institute for Genomic Medicine, Rady Children's Hospital San Diego and Labcorp Genetics (formerly Invitae), Labcorp); PubMed 10642602 (cited by 3 submitters); PubMed 10642597 (cited by 3 submitters).

NM_003859.3(DPM1):c.274C>G (p.Arg92Gly)

Gene: DPM1 (dolichyl-phosphate mannosyltransferase subunit 1, catalytic; minus strand). Cytogenetic location: 20q13.13.
Variant type: single nucleotide variant.
Coding change: c.274C>G on transcript NM_003859.3 (MANE Select); coding-DNA position 274, C replaced by G.
Protein change: p.Arg92Gly; replaces arginine 92 with glycine.
Molecular consequence: missense variant. On other transcripts: non-coding transcript variant (1).
Genome position (GRCh38, 1-based): chr20:50,948,650, G>C on the plus strand (C>G on the coding strand, the complement: DPM1 is on the minus strand). VCF-style: chr20-50948650-G-C. GRCh37 (hg19) VCF-style: chr20-49565187-G-C.
Other names: c.274C>G (NM_003859.2); c.274C>G, p.Arg92Gly (NM_001317034.1, NM_001317035.1, NM_001317036.1); short protein forms R92G.
Identifiers: ClinVar variation 6296 (VCV000006296.11), dbSNP rs121908583, ClinGen allele CA118111.